The following is an entry in ClinVar:

ClinVar aggregate classification (germline): Benign/Likely benign. Review status: criteria provided, multiple submitters, no conflicts (2 of 4 stars). 4 submissions from 3 submitters: Benign (1); Likely benign (2). 1 of the submissions does not count toward it. Last evaluated 2025-11-10.

Conditions:
HSPG2-related disorder. Also called: HSPG2-related condition; HSPG2-related disorders.
Schwartz-Jampel syndrome. Also called: Myotonic myopathy dwarfism chondrodystrophy and ocular and facial abnormalities. Identifiers: Orphanet 800, MedGen C0036391, MONDO:0009717.
Lethal Kniest-like syndrome (DDSH). Also called: Dyssegmental Dysplasia. Identifiers: Orphanet 1865, MedGen C1857100, MONDO:0009140, OMIM 224410.

Allele frequency attached by ClinVar (database versions not stated): gnomAD 0.00013 and 0.00025; TOPMed 0.00020; gnomAD exomes 0.00036 and 0.00057; ExAC 0.00059; 1000 Genomes Project 0.00180; 1000 Genomes Project 30x 0.00203.
gnomAD v4.1: 553 of 1,613,816 alleles (0.034%); highest among the groups gnomAD compares: East Asian, 0.94%; 3 homozygotes.

Submissions (4):

Labcorp Genetics (formerly Invitae), Labcorp
Classification: Benign. Last evaluated: 2025-11-10. Review status: criteria provided, single submitter. Criteria: Invitae Variant Classification Sherloc (09022015). Collection method: clinical testing. Allele origin: germline.

Illumina Laboratory Services, Illumina
Classification: Likely benign for Schwartz-Jampel syndrome type 1. Last evaluated: 2018-01-12. Review status: criteria provided, single submitter. Criteria: ICSL Variant Classification Criteria 13 December 2019. Collection method: clinical testing. Allele origin: germline.
Comment: This variant was observed in the ICSL laboratory as part of a predisposition screen in an ostensibly healthy population. It had not been previously curated by ICSL or reported in the Human Gene Mutation Database (HGMD: prior to June 1st, 2018), and was therefore a candidate for classification through an automated scoring system. Utilizing variant allele frequency, disease prevalence and penetrance estimates, and inheritance mode, an automated score was calculated to assess if this variant is too frequent to cause the disease. Based on the score and internal cut-off values, a variant classified as likely benign is not then subjected to further curation. The score for this variant resulted in a classification of likely benign for this disease.

Illumina Laboratory Services, Illumina
Classification: Likely benign for Lethal Kniest-like syndrome. Last evaluated: 2018-01-12. Review status: criteria provided, single submitter. Criteria: ICSL Variant Classification Criteria 13 December 2019. Collection method: clinical testing. Allele origin: germline.
Comment: the same text as in the submission from Illumina Laboratory Services, Illumina above.

PreventionGenetics, part of Exact Sciences
Classification: Likely benign for HSPG2-related condition. Last evaluated: 2019-05-28. Review status: no assertion criteria provided. Collection method: clinical testing. Allele origin: germline. Not counted in ClinVar's aggregate classification.
Comment: This variant is classified as likely benign based on ACMG/AMP sequence variant interpretation guidelines (Richards et al. 2015 PMID: 25741868, with internal and published modifications).

NM_005529.7(HSPG2):c.9411C>T (p.Ala3137=)

Gene: HSPG2 (heparan sulfate proteoglycan 2; minus strand). Cytogenetic location: 1p36.12.
Variant type: single nucleotide variant.
Coding change: c.9411C>T on transcript NM_005529.7 (MANE Select); coding-DNA position 9411, C replaced by T.
Protein change: p.Ala3137=; no amino-acid change (alanine 3137 retained).
Molecular consequence: synonymous variant.
Genome position (GRCh38, 1-based): chr1:21,841,203, G>A on the plus strand (C>T on the coding strand, the complement: HSPG2 is on the minus strand). VCF-style: chr1-21841203-G-A. GRCh37 (hg19) VCF-style: chr1-22167696-G-A.
Other names: c.9414C>T, p.Ala3138= (NM_001291860.2).
Identifiers: ClinVar variation 723103 (VCV000723103.14), dbSNP rs533824462, ClinGen allele CA670456.